The following is an entry in ClinVar:

ClinVar aggregate classification (germline): Uncertain significance. Review status: criteria provided, multiple submitters, no conflicts (2 of 4 stars). 2 submissions from 2 submitters: Uncertain significance (2). Last evaluated 2024-07-11.

Submissions (2):

Women's Health and Genetics/Laboratory Corporation of America, LabCorp
Classification: Uncertain significance. Last evaluated: 2024-07-11. Review status: criteria provided, single submitter. Criteria: LabCorp Variant Classification Summary - May 2015. Collection method: clinical testing. Allele origin: germline.
Comment: Variant summary: NPC1 c.2683G>A (p.Glu895Lys) results in a conservative amino acid change in the encoded protein sequence. Three of five in-silico tools predict a benign effect of the variant on protein function. The variant was absent in 251480 control chromosomes. The available data on variant occurrences in the general population are insufficient to allow any conclusion about variant significance. c.2683G>A has been reported in the literature in at least one compound heterozygous individual affected with Niemann-Pick Disease Type C (Dardis_2020). These data do not allow any conclusion about variant significance. To our knowledge, no experimental evidence demonstrating an impact on protein function has been reported. The following publication has been ascertained in the context of this evaluation (PMID: 32138288). ClinVar contains an entry for this variant (Variation ID: 2505800). Based on the evidence outlined above, the variant was classified as uncertain significance.

GeneDx
Classification: Uncertain significance. Last evaluated: 2022-12-09. Review status: criteria provided, single submitter. Criteria: GeneDx Variant Classification Process June 2021. Collection method: clinical testing. Allele origin: germline. Affected: yes.
Comment: Not observed at significant frequency in large population cohorts (gnomAD); In silico analysis supports that this missense variant does not alter protein structure/function; This variant is associated with the following publications: (PMID: 32138288)

Literature cited by the submitters: PubMed 32138288 (cited by Women's Health and Genetics/Laboratory Corporation of America, LabCorp).

NM_000271.5(NPC1):c.2683G>A (p.Glu895Lys)

Gene: NPC1 (NPC intracellular cholesterol transporter 1; minus strand). Cytogenetic location: 18q11.2.
Variant type: single nucleotide variant.
Coding change: c.2683G>A on transcript NM_000271.5 (MANE Select); coding-DNA position 2683, G replaced by A.
Protein change: p.Glu895Lys; replaces glutamic acid 895 with lysine.
Molecular consequence: missense variant.
Genome position (GRCh38, 1-based): chr18:23,539,923, C>T on the plus strand (G>A on the coding strand, the complement: NPC1 is on the minus strand). VCF-style: chr18-23539923-C-T. GRCh37 (hg19) VCF-style: chr18-21119887-C-T.
Other names: short protein forms E895K.
Identifiers: ClinVar variation 2505800 (VCV002505800.2), dbSNP rs2145373524, ClinGen allele CA401792877.
Genomic context (GRCh38, chr18:23,539,923, plus strand): 5'-TGCAGCCCATGCCGCCGCACACCATGTTCTGCCCCTTGGAAGAAGTGTAGTCGTGCCCTT[C>T]CTCCAGGACAAAGTACACAGGCGGACCCGCATGCAGGTACTGACTGATGGATTTGAAATA-3'
Protein context (NP_000262.2, residues 885-905): AGPPVYFVLE[Glu895Lys]GHDYTSSKGQ